The following is an entry in ClinVar:

ClinVar aggregate classification (germline): Uncertain significance. Review status: criteria provided, multiple submitters, no conflicts (2 of 4 stars). 2 submissions from 2 submitters: Uncertain significance (2). Last evaluated 2024-05-24.

Conditions:
Inborn genetic diseases. Identifiers: MedGen C0950123, MeSH D030342.

Submissions (2):

Ambry Genetics
Classification: Uncertain significance for Inborn genetic diseases. Last evaluated: 2024-05-24. Review status: criteria provided, single submitter. Criteria: Ambry Variant Classification Scheme 2023. Collection method: clinical testing. Allele origin: germline.

Labcorp Genetics (formerly Invitae), Labcorp
Classification: Uncertain significance. Last evaluated: 2023-06-15. Review status: criteria provided, single submitter. Criteria: Invitae Variant Classification Sherloc (09022015). Collection method: clinical testing. Allele origin: germline.
Comment: Advanced modeling of protein sequence and biophysical properties (such as structural, functional, and spatial information, amino acid conservation, physicochemical variation, residue mobility, and thermodynamic stability) performed at Invitae indicates that this missense variant is not expected to disrupt KMT2A protein function. This variant has not been reported in the literature in individuals affected with KMT2A-related conditions. This variant is not present in population databases (gnomAD no frequency). This sequence change replaces lysine, which is basic and polar, with asparagine, which is neutral and polar, at codon 2520 of the KMT2A protein (p.Lys2520Asn). In summary, the available evidence is currently insufficient to determine the role of this variant in disease. Therefore, it has been classified as a Variant of Uncertain Significance.

NM_001197104.2(KMT2A):c.7560A>T (p.Lys2520Asn)

Gene: KMT2A (lysine methyltransferase 2A; plus strand). Cytogenetic location: 11q23.3.
Variant type: single nucleotide variant.
Coding change: c.7560A>T on transcript NM_001197104.2 (MANE Select); coding-DNA position 7560, A replaced by T.
Protein change: p.Lys2520Asn; replaces lysine 2520 with asparagine.
Molecular consequence: missense variant.
Genome position (GRCh38, 1-based): chr11:118,503,452, A>T. VCF-style: chr11-118503452-A-T. GRCh37 (hg19) VCF-style: chr11-118374167-A-T.
Other names: c.7650A>T, p.Lys2550Asn (NM_001412597.1); c.7551A>T, p.Lys2517Asn (NM_005933.4); short protein forms K2520N, K2517N, K2550N.
Identifiers: ClinVar variation 2804410 (VCV002804410.4), dbSNP rs926955759, ClinGen allele CA382806017.